The following is an entry in ClinVar:

ClinVar aggregate classification (germline): Likely benign. Review status: criteria provided, multiple submitters, no conflicts (2 of 4 stars). 3 submissions from 3 submitters: Likely benign (2). 1 of the submissions does not count toward it. Last evaluated 2024-10-22.

Conditions:
CYP2B6-related disorder. Also called: CYP2B6-related condition.

Allele frequency attached by ClinVar (database versions not stated): 1000 Genomes Project 30x 0.00062; 1000 Genomes Project 0.00080; ExAC 0.00230; TOPMed 0.00249; gnomAD 0.00253; ESP Exome Variant Server 0.00269; gnomAD exomes 0.00405.
gnomAD v4.1: 6,197 of 1,614,004 alleles (0.38%); highest among the groups gnomAD compares: Non-Finnish European, 0.49%; 22 homozygotes.

Submissions (3):

Blueprint Genetics
Classification: Likely benign. Last evaluated: 2024-10-22. Review status: criteria provided, single submitter. Criteria: ACMG Guidelines, 2015. Collection method: clinical testing. Allele origin: germline.

CeGaT Center for Human Genetics Tuebingen
Classification: Likely benign. Last evaluated: 2024-10-01. Review status: criteria provided, single submitter. Criteria: CeGaT Center For Human Genetics Tuebingen Variant Classification Criteria Version 2. Collection method: clinical testing. Allele origin: germline. Affected: yes. Observed: 1 variant allele.
Comment: CYP2B6: BP4, BS2

PreventionGenetics, part of Exact Sciences
Classification: Likely benign for CYP2B6-related condition. Last evaluated: 2022-02-15. Review status: no assertion criteria provided. Collection method: clinical testing. Allele origin: germline. Not counted in ClinVar's aggregate classification.
Comment: This variant is classified as likely benign based on ACMG/AMP sequence variant interpretation guidelines (Richards et al. 2015 PMID: 25741868, with internal and published modifications).

NM_000767.5(CYP2B6):c.415A>G (p.Lys139Glu)

Gene: CYP2B6 (cytochrome P450 family 2 subfamily B member 6; plus strand). Cytogenetic location: 19q13.2.
Variant type: single nucleotide variant.
Coding change: c.415A>G on transcript NM_000767.5 (MANE Select); coding-DNA position 415, A replaced by G.
Protein change: p.Lys139Glu; replaces lysine 139 with glutamic acid.
Molecular consequence: missense variant.
Genome position (GRCh38, 1-based): chr19:41,004,377, A>G. VCF-style: chr19-41004377-A-G. GRCh37 (hg19) VCF-style: chr19-41510282-A-G.
Other names: short protein forms K139E.
Identifiers: ClinVar variation 3033395 (VCV003033395.17), dbSNP rs12721655, ClinGen allele CA9455196.